The following is an entry in ClinVar:

ClinVar aggregate classification (germline): Uncertain significance. Review status: criteria provided, single submitter (1 of 4 stars). 2 submissions from 2 submitters: Uncertain significance (1). 1 of the submissions does not count toward it. Last evaluated 2026-01-02.

Conditions:
CACNA1D-related disorder.

Allele frequency attached by ClinVar (database versions not stated): gnomAD exomes below 0.00001 and 0.00003; ExAC 0.00001; gnomAD 0.00003; TOPMed 0.00003; ESP Exome Variant Server 0.00008.

Submissions (2):

Labcorp Genetics (formerly Invitae), Labcorp
Classification: Uncertain significance. Last evaluated: 2026-01-02. Review status: criteria provided, single submitter. Criteria: Invitae Variant Classification Sherloc (09022015). Collection method: clinical testing. Allele origin: germline.
Comment: This sequence change replaces arginine, which is basic and polar, with histidine, which is basic and polar, at codon 1949 of the CACNA1D protein (p.Arg1949His). This variant is present in population databases (rs371126105, gnomAD 0.004%). This variant has not been reported in the literature in individuals affected with CACNA1D-related conditions. ClinVar contains an entry for this variant (Variation ID: 1489196). An algorithm developed to predict the effect of missense changes on protein structure and function (PolyPhen-2) suggests that this variant is likely to be disruptive. In summary, the available evidence is currently insufficient to determine the role of this variant in disease. Therefore, it has been classified as a Variant of Uncertain Significance.

PreventionGenetics, part of Exact Sciences
Classification: Uncertain significance for CACNA1D-related condition. Last evaluated: 2024-03-27. Review status: no assertion criteria provided. Collection method: clinical testing. Allele origin: germline. Not counted in ClinVar's aggregate classification.
Comment: The CACNA1D c.5846G>A variant is predicted to result in the amino acid substitution p.Arg1949His. This variant has been reported in an individual with autism spectrum disorder (referred to as c.G5714A using alternative transcript NM_001128839 in Supplementary Table 3, Li et al. 2017. PubMed ID: 28831199). This variant is reported in 0.0040% of alleles in individuals of African descent in gnomAD. At this time, the clinical significance of this variant is uncertain due to the absence of conclusive functional and genetic evidence.

NM_001128840.3(CACNA1D):c.5786G>A (p.Arg1929His)

Gene: CACNA1D (calcium voltage-gated channel subunit alpha1 D; plus strand). Cytogenetic location: 3p21.1.
Variant type: single nucleotide variant.
Coding change: c.5786G>A on transcript NM_001128840.3 (MANE Select); coding-DNA position 5786, G replaced by A.
Protein change: p.Arg1929His; replaces arginine 1929 with histidine.
Molecular consequence: missense variant.
Genome position (GRCh38, 1-based): chr3:53,808,685, G>A. VCF-style: chr3-53808685-G-A. GRCh37 (hg19) VCF-style: chr3-53842712-G-A.
Other names: c.5846G>A, p.Arg1949His (NM_000720.4); c.5714G>A, p.Arg1905His (NM_001128839.3); c.5846G>A (NM_000720.3); short protein forms R1905H, R1929H, R1949H.
Identifiers: ClinVar variation 1489196 (VCV001489196.7), dbSNP rs371126105, ClinGen allele CA2455268.